The following is an entry in ClinVar:

NM_001190787.3(MCIDAS):c.226A>G (p.Thr76Ala)

Gene: MCIDAS (multiciliate differentiation and DNA synthesis associated cell cycle protein; minus strand). Cytogenetic location: 5q11.2.
Variant type: single nucleotide variant.
Coding change: c.226A>G on transcript NM_001190787.3 (MANE Select); coding-DNA position 226, A replaced by G.
Protein change: p.Thr76Ala; replaces threonine 76 with alanine.
Molecular consequence: missense variant.
Genome position (GRCh38, 1-based): chr5:55,226,659, T>C on the plus strand (A>G on the coding strand, the complement: MCIDAS is on the minus strand). VCF-style: chr5-55226659-T-C. GRCh37 (hg19) VCF-style: chr5-54522487-T-C.
Other names: short protein forms T76A.
Identifiers: ClinVar variation 2157430 (VCV002157430.4), dbSNP rs998351403, ClinGen allele CA118983366.

ClinVar aggregate classification (germline): Uncertain significance (1 of 4 stars; one submission).

Conditions:
Primary ciliary dyskinesia. Also called: Ciliary dyskinesia. Identifiers: Orphanet 244, MedGen C0008780, MONDO:0016575, HP:0012265.

Allele frequency attached by ClinVar (database versions not stated): gnomAD 0.00001; gnomAD exomes 0.00002.

Submission:

Labcorp Genetics (formerly Invitae), Labcorp
Classification: Uncertain significance for Primary ciliary dyskinesia. Last evaluated: 2022-02-23. Review status: criteria provided, single submitter. Criteria: Invitae Variant Classification Sherloc (09022015). Collection method: clinical testing. Allele origin: germline.
Comment: This sequence change replaces threonine, which is neutral and polar, with alanine, which is neutral and non-polar, at codon 76 of the MCIDAS protein (p.Thr76Ala). The frequency data for this variant in the population databases is considered unreliable, as metrics indicate poor data quality at this position in the gnomAD database. This variant has not been reported in the literature in individuals affected with MCIDAS-related conditions. Algorithms developed to predict the effect of missense changes on protein structure and function (SIFT, PolyPhen-2, Align-GVGD) all suggest that this variant is likely to be disruptive. In summary, the available evidence is currently insufficient to determine the role of this variant in disease. Therefore, it has been classified as a Variant of Uncertain Significance.